The following is an entry in ClinVar:

ClinVar aggregate classification (germline): Likely benign (1 of 4 stars; one submission).

Allele frequency attached by ClinVar (database versions not stated): gnomAD 0.00002; ExAC 0.00004; 1000 Genomes Project 30x 0.00016; 1000 Genomes Project 0.00020.
gnomAD v4.1: 35 of 1,612,132 alleles (0.0022%); highest among the groups gnomAD compares: Middle Eastern, 0.017%; no homozygotes.

Submission:

CeGaT Center for Human Genetics Tuebingen
Classification: Likely benign. Last evaluated: 2022-06-01. Review status: criteria provided, single submitter. Criteria: CeGaT Center For Human Genetics Tuebingen Variant Classification Criteria Version 2. Collection method: clinical testing. Allele origin: germline. Affected: yes. Observed: 1 variant allele.
Comment: MAPK8IP3: BS2

NM_001318852.2(MAPK8IP3):c.4009G>A (p.Glu1337Lys)

Gene: MAPK8IP3 (mitogen-activated protein kinase 8 interacting protein 3; plus strand). Cytogenetic location: 16p13.3.
Variant type: single nucleotide variant.
Coding change: c.4009G>A on transcript NM_001318852.2 (MANE Select); coding-DNA position 4009, G replaced by A.
Protein change: p.Glu1337Lys; replaces glutamic acid 1337 with lysine.
Molecular consequence: missense variant.
Genome position (GRCh38, 1-based): chr16:1,768,819, G>A. VCF-style: chr16-1768819-G-A. GRCh37 (hg19) VCF-style: chr16-1818820-G-A.
Other names: c.3988G>A, p.Glu1330Lys (NM_001040439.2); c.4006G>A, p.Glu1336Lys (NM_015133.5, NM_033392.3); short protein forms E1330K, E1336K, E1337K.
Identifiers: ClinVar variation 2645945 (VCV002645945.24), dbSNP rs577742104, ClinGen allele CA7817966.
Genomic context (GRCh38, chr16:1,768,819, plus strand): 5'-CCCGTGCTGTCCAAGGCAGAGCGCAGTCACATCATCGTGTGGCAGGTGTCCTACACCCCC[G>A]AGTGAAGCTGCTGCCCTGCCTGGCCCGACCTGTACATAGGACCCCCGACCACCTGACCCC-3'
Protein context (NP_001305781.1, residues 1327-1337): IIVWQVSYTP[Glu1337Lys]